The following is an entry in ClinVar:

ClinVar aggregate classification (germline): Benign (1 of 4 stars; one submission).

Conditions:
Pituitary hormone deficiency, combined, 6. Identifiers: MedGen C3151440, MONDO:0013518, OMIM 613986.

Allele frequency attached by ClinVar (database versions not stated): gnomAD 0.00006 and 0.00011; TOPMed 0.00017; 1000 Genomes Project 0.00060; 1000 Genomes Project 30x 0.00062.
gnomAD v4.1: 16 of 152,764 alleles (0.01%); highest among the groups gnomAD compares: East Asian, 0.27%; no homozygotes.

Submission:

Illumina Laboratory Services, Illumina
Classification: Benign for Pituitary hormone deficiency, combined, 6. Last evaluated: 2018-01-13. Review status: criteria provided, single submitter. Criteria: ICSL Variant Classification Criteria 13 December 2019. Collection method: clinical testing. Allele origin: germline.
Comment: This variant was observed in the ICSL laboratory as part of a predisposition screen in an ostensibly healthy population. It had not been previously curated by ICSL or reported in the Human Gene Mutation Database (HGMD: prior to June 1st, 2018), and was therefore a candidate for classification through an automated scoring system. Utilizing variant allele frequency, disease prevalence and penetrance estimates, and inheritance mode, an automated score was calculated to assess if this variant is too frequent to cause the disease. Based on the score and internal cut-off values, a variant classified as benign is not then subjected to further curation. The score for this variant resulted in a classification of benign for this disease.

NM_021728.4(OTX2):c.*966A>G

Gene: OTX2 (orthodenticle homeobox 2; minus strand). Cytogenetic location: 14q22.3.
Variant type: single nucleotide variant.
Coding change: c.*966A>G on transcript NM_021728.4 (MANE Select); 966 bases downstream of the stop codon, A replaced by G.
Molecular consequence: 3 prime UTR variant. On other transcripts: non-coding transcript variant (2).
Genome position (GRCh38, 1-based): chr14:56,800,769, T>C on the plus strand (A>G on the coding strand, the complement: OTX2 is on the minus strand). VCF-style: chr14-56800769-T-C. GRCh37 (hg19) VCF-style: chr14-57267487-T-C.
Other names: c.*966A>G (NM_001270523.2, NM_001270524.2, NM_001270525.2 and 1 more transcripts).
Identifiers: ClinVar variation 313407 (VCV000313407.6), dbSNP rs57390094, ClinGen allele CA10640345.